The following is an entry in ClinVar:

ClinVar aggregate classification (germline): Uncertain significance (0 of 4 stars; one submission).

Conditions:
PPP1R21-related disorder. Also called: PPP1R21-related condition.

Allele frequency attached by ClinVar (database versions not stated): gnomAD exomes below 0.00001; ExAC 0.00001.
gnomAD v4.1: 2 of 1,613,968 alleles (0.00012%); highest among the groups gnomAD compares: Non-Finnish European, 0.00017%; no homozygotes.

Submission:

PreventionGenetics, part of Exact Sciences
Classification: Uncertain significance for PPP1R21-related condition. Last evaluated: 2023-12-26. Review status: no assertion criteria provided. Collection method: clinical testing. Allele origin: germline.
Comment: The PPP1R21 c.418C>A variant is predicted to result in the amino acid substitution p.Leu140Met. To our knowledge, this variant has not been reported in the literature. This variant is reported in 0.0054% of alleles in individuals of East Asian descent in gnomAD. At this time, the clinical significance of this variant is uncertain due to the absence of conclusive functional and genetic evidence.

NM_001135629.3(PPP1R21):c.418C>A (p.Leu140Met)

Gene: PPP1R21 (protein phosphatase 1 regulatory subunit 21; plus strand). Cytogenetic location: 2p16.3.
Variant type: single nucleotide variant.
Coding change: c.418C>A on transcript NM_001135629.3 (MANE Select); coding-DNA position 418, C replaced by A.
Protein change: p.Leu140Met; replaces leucine 140 with methionine.
Molecular consequence: missense variant. On other transcripts: non-coding transcript variant (1).
Genome position (GRCh38, 1-based): chr2:48,459,796, C>A. VCF-style: chr2-48459796-C-A. GRCh37 (hg19) VCF-style: chr2-48686935-C-A.
Other names: c.418C>A, p.Leu140Met (NM_001193475.2, NM_152994.5); short protein forms L140M.
Identifiers: ClinVar variation 3034145 (VCV003034145.2), dbSNP rs756430637, ClinGen allele CA1650858.
Genomic context (GRCh38, chr2:48,459,796, plus strand): 5'-ATGGTCTTCTCTTTTTAGTTTTTTGAAGCTGATGAGCAGCACAAGCATGTGGAAGCAGAG[C>A]TGAGGAGTCGACTGGCCACTCTGGAGACAGAAGCAGCCCAGCACCAAGCTGTGGTTGACG-3'
Protein context (NP_001129101.1, residues 130-150): DEQHKHVEAE[Leu140Met]RSRLATLETE